The following is an entry in ClinVar:

ClinVar aggregate classification (germline): Uncertain significance. Review status: criteria provided, multiple submitters, no conflicts (2 of 4 stars). 4 submissions from 4 submitters: Uncertain significance (3). 1 of the submissions does not count toward it. Last evaluated 2024-10-06.

Conditions:
Autosomal recessive limb-girdle muscular dystrophy type 2B (LGMDR2). Also called: Limb-girdle muscular dystrophy, type 2B; MUSCULAR DYSTROPHY, LIMB-GIRDLE, AUTOSOMAL RECESSIVE 2; MUSCULAR DYSTROPHY, LIMB-GIRDLE, TYPE 3; Limb-Girdle Muscular Dystrophy Type 2B (LGMD2B). Identifiers: Orphanet 268, MedGen C1850889, MONDO:0009676, OMIM 253601.
Inborn genetic diseases. Identifiers: MedGen C0950123, MeSH D030342.
Neuromuscular disease caused by qualitative or quantitative defects of dysferlin. Also called: Qualitative or quantitative defects of dysferlin; Dysferlinopathy. Identifiers: Orphanet 207073, MedGen C2931687, MONDO:0016145.

Allele frequency attached by ClinVar (database versions not stated): gnomAD exomes below 0.00001 and 0.00001; gnomAD 0.00001; TOPMed 0.00001.
gnomAD v4.1: 20 of 1,613,986 alleles (0.0012%); highest among the groups gnomAD compares: African/African-American, 0.004%; no homozygotes.

Submissions (4):

Ambry Genetics
Classification: Uncertain significance for Inborn genetic diseases. Last evaluated: 2024-10-06. Review status: criteria provided, single submitter. Criteria: Ambry Variant Classification Scheme 2023. Collection method: clinical testing. Allele origin: germline.

Labcorp Genetics (formerly Invitae), Labcorp
Classification: Uncertain significance for Neuromuscular disease caused by qualitative or quantitative defects of dysferlin. Last evaluated: 2022-08-09. Review status: criteria provided, single submitter. Criteria: Invitae Variant Classification Sherloc (09022015). Collection method: clinical testing. Allele origin: germline.
Comment: This sequence change replaces glutamic acid, which is acidic and polar, with glycine, which is neutral and non-polar, at codon 1577 of the DYSF protein (p.Glu1577Gly). This variant is present in population databases (no rsID available, gnomAD 0.03%). This variant has not been reported in the literature in individuals affected with DYSF-related conditions. ClinVar contains an entry for this variant (Variation ID: 444504). Advanced modeling of protein sequence and biophysical properties (such as structural, functional, and spatial information, amino acid conservation, physicochemical variation, residue mobility, and thermodynamic stability) performed at Invitae indicates that this missense variant is not expected to disrupt DYSF protein function. In summary, the available evidence is currently insufficient to determine the role of this variant in disease. Therefore, it has been classified as a Variant of Uncertain Significance.

CeGaT Center for Human Genetics Tuebingen
Classification: Uncertain significance. Last evaluated: 2017-04-01. Review status: criteria provided, single submitter. Criteria: CeGaT Center For Human Genetics Tuebingen Variant Classification Criteria Version 2. Collection method: clinical testing. Allele origin: germline. Affected: yes. Observed: 1 variant allele.

Natera, Inc.
Classification: Uncertain significance for Limb-girdle muscular dystrophy type 2B. Last evaluated: 2020-09-03. Review status: no assertion criteria provided. Collection method: clinical testing. Allele origin: germline. Not counted in ClinVar's aggregate classification.

NM_001130987.2(DYSF):c.4847A>G (p.Glu1616Gly)

Gene: DYSF (dysferlin; plus strand). Cytogenetic location: 2p13.2.
Variant type: single nucleotide variant.
Coding change: c.4847A>G on transcript NM_001130987.2 (MANE Select); coding-DNA position 4847, A replaced by G.
Protein change: p.Glu1616Gly; replaces glutamic acid 1616 with glycine.
Molecular consequence: missense variant.
Genome position (GRCh38, 1-based): chr2:71,658,969, A>G. VCF-style: chr2-71658969-A-G. GRCh37 (hg19) VCF-style: chr2-71886099-A-G.
Other names: c.4733A>G, p.Glu1578Gly (NM_001130455.2); c.4688A>G, p.Glu1563Gly (NM_001130976.2); c.4751A>G, p.Glu1584Gly (NM_001130977.2); c.4793A>G, p.Glu1598Gly (NM_001130978.2); c.4823A>G, p.Glu1608Gly (NM_001130979.2); c.4781A>G, p.Glu1594Gly (NM_001130980.2); c.4844A>G, p.Glu1615Gly (NM_001130981.2); c.4826A>G, p.Glu1609Gly (NM_001130982.2); and 5 more; short protein forms E1577G, E1616G, E1563G, E1595G, E1598G, E1608G, E1609G, E1584G.
Identifiers: ClinVar variation 444504 (VCV000444504.49), dbSNP rs933715192, ClinGen allele CA49765139.